The following is an entry in ClinVar:

NM_000166.6(GJB1):c.178T>C (p.Cys60Arg)

Gene: GJB1 (gap junction protein beta 1; plus strand). Cytogenetic location: Xq13.1.
Variant type: single nucleotide variant.
Coding change: c.178T>C on transcript NM_000166.6 (MANE Select); coding-DNA position 178, T replaced by C.
Protein change: p.Cys60Arg; replaces cysteine 60 with arginine.
Molecular consequence: missense variant.
Genome position (GRCh38, 1-based): chrX:71,223,885, T>C. VCF-style: chrX-71223885-T-C. GRCh37 (hg19) VCF-style: chrX-70443735-T-C.
Other names: c.178T>C, p.Cys60Arg (NM_001097642.3); short protein forms C60R.
Identifiers: ClinVar variation 406232 (VCV000406232.7), dbSNP rs1060501004, ClinGen allele CA16616545.

ClinVar aggregate classification (germline): Pathogenic/Likely pathogenic. Review status: criteria provided, multiple submitters, no conflicts (2 of 4 stars). 2 submissions from 2 submitters: Pathogenic (1); Likely pathogenic (1). Last evaluated 2025-11-26.

Conditions:
Charcot-Marie-Tooth Neuropathy X. Identifiers: MedGen CN118851.

Submissions (2):

Labcorp Genetics (formerly Invitae), Labcorp
Classification: Pathogenic for Charcot-Marie-Tooth Neuropathy X. Last evaluated: 2025-11-26. Review status: criteria provided, single submitter. Criteria: Invitae Variant Classification Sherloc (09022015). Collection method: clinical testing. Allele origin: germline.
Comment: This sequence change replaces cysteine, which is neutral and slightly polar, with arginine, which is basic and polar, at codon 60 of the GJB1 protein (p.Cys60Arg). This variant is not present in population databases (gnomAD no frequency). This missense change has been observed in individuals with clinical features of Charcot-Marie-Tooth disease (internal data). ClinVar contains an entry for this variant (Variation ID: 406232). Invitae Evidence Modeling of protein sequence and biophysical properties (such as structural, functional, and spatial information, amino acid conservation, physicochemical variation, residue mobility, and thermodynamic stability) indicates that this missense variant is expected to disrupt GJB1 protein function with a positive predictive value of 95%. This variant disrupts the p.Cys60 amino acid residue in GJB1. Other variant(s) that disrupt this residue have been determined to be pathogenic (PMID: 8162049, 8816997, 9452099, 10093067, 25043634). This suggests that this residue is clinically significant, and that variants that disrupt this residue are likely to be disease-causing. For these reasons, this variant has been classified as Pathogenic.

GeneDx
Classification: Likely pathogenic. Last evaluated: 2017-05-08. Review status: criteria provided, single submitter. Criteria: GeneDx Variant Classification (06012015). Collection method: clinical testing. Allele origin: germline. Affected: yes.
Comment: A variant that is likely pathogenic has been identified in the GJB1 gene. The C60R variant has not been published as a pathogenic variant, nor has it been reported as a benign variant to our knowledge. However, a different amino acid substitution at the same position (C60F) has been previously reported in a family with CMTX1 (Fairweather et al., 1994). The C60R variant is not observed in large population cohorts (Lek et al., 2016; 1000 Genomes Consortium et al., 2015; Exome Variant Server). The C60R variant is a non-conservative amino acid substitution, which is likely to impact secondary protein structure as these residues differ in polarity, charge, size and/or other properties. This substitution occurs at a position that is conserved across species. In silico analysis predicts this variant is probably damaging to the protein structure/function. Therefore, this variant is likely pathogenic; however, the possibility that it is benign cannot be excluded.

Literature cited by the submitters: PubMed 8162049 (cited by Labcorp Genetics (formerly Invitae), Labcorp); PubMed 8816997 (cited by Labcorp Genetics (formerly Invitae), Labcorp); PubMed 9452099 (cited by Labcorp Genetics (formerly Invitae), Labcorp); PubMed 10093067 (cited by Labcorp Genetics (formerly Invitae), Labcorp); PubMed 25043634 (cited by Labcorp Genetics (formerly Invitae), Labcorp).